The following is an entry in ClinVar:

NM_152617.4(RNF168):c.209C>T (p.Ser70Phe)

Gene: RNF168 (ring finger protein 168; minus strand). Cytogenetic location: 3q29.
Variant type: single nucleotide variant.
Coding change: c.209C>T on transcript NM_152617.4 (MANE Select); coding-DNA position 209, C replaced by T.
Protein change: p.Ser70Phe; replaces serine 70 with phenylalanine.
Molecular consequence: missense variant.
Genome position (GRCh38, 1-based): chr3:196,502,965, G>A on the plus strand (C>T on the coding strand, the complement: RNF168 is on the minus strand). VCF-style: chr3-196502965-G-A. GRCh37 (hg19) VCF-style: chr3-196229836-G-A.
Other names: short protein forms S70F.
Identifiers: ClinVar variation 1025999 (VCV001025999.5), dbSNP rs746582968, ClinGen allele CA2781028.

ClinVar aggregate classification (germline): Uncertain significance (1 of 4 stars; one submission).

Allele frequency attached by ClinVar (database versions not stated): ExAC 0.00001.
gnomAD v4.1: 2 of 1,613,996 alleles (0.00012%); highest among the groups gnomAD compares: Non-Finnish European, 0.00017%; no homozygotes.

Submission:

Labcorp Genetics (formerly Invitae), Labcorp
Classification: Uncertain significance. Last evaluated: 2023-05-08. Review status: criteria provided, single submitter. Criteria: Invitae Variant Classification Sherloc (09022015). Collection method: clinical testing. Allele origin: germline.
Comment: This sequence change replaces serine, which is neutral and polar, with phenylalanine, which is neutral and non-polar, at codon 70 of the RNF168 protein (p.Ser70Phe). This variant is present in population databases (rs746582968, gnomAD 0.0009%). This variant has not been reported in the literature in individuals affected with RNF168-related conditions. ClinVar contains an entry for this variant (Variation ID: 1025999). An algorithm developed to predict the effect of missense changes on protein structure and function (PolyPhen-2) suggests that this variant is likely to be disruptive. In summary, the available evidence is currently insufficient to determine the role of this variant in disease. Therefore, it has been classified as a Variant of Uncertain Significance.